The following is an entry in ClinVar:

ClinVar aggregate classification (germline): Uncertain significance (1 of 4 stars; one submission).

Submission:

CeGaT Center for Human Genetics Tuebingen
Classification: Uncertain significance. Last evaluated: 2025-05-01. Review status: criteria provided, single submitter. Criteria: CeGaT Center For Human Genetics Tuebingen Variant Classification Criteria Version 2. Collection method: clinical testing. Allele origin: germline. Affected: yes. Observed: 1 variant allele.
Comment: FOXP2: PM2:Supporting, PP3

NM_014491.4(FOXP2):c.1967G>A (p.Gly656Glu)

Gene: FOXP2 (forkhead box P2; plus strand). Cytogenetic location: 7q31.1.
Variant type: single nucleotide variant.
Coding change: c.1967G>A on transcript NM_014491.4 (MANE Select); coding-DNA position 1967, G replaced by A.
Protein change: p.Gly656Glu; replaces glycine 656 with glutamic acid.
Molecular consequence: missense variant. On other transcripts: non-coding transcript variant (2).
Genome position (GRCh38, 1-based): chr7:114,664,400, G>A. VCF-style: chr7-114664400-G-A. GRCh37 (hg19) VCF-style: chr7-114304455-G-A.
Other names: c.1964G>A, p.Gly655Glu (NM_001172766.3); c.2042G>A, p.Gly681Glu (NM_148898.4); c.2018G>A, p.Gly673Glu (NM_148900.4); short protein forms G655E, G656E, G673E, G681E.
Identifiers: ClinVar variation 3905942 (VCV003905942.10).